The following is an entry in ClinVar:

NM_024675.4(PALB2):c.3202-4T>C

Gene: PALB2 (partner and localizer of BRCA2; minus strand). Cytogenetic location: 16p12.2.
Variant type: single nucleotide variant.
Coding change: c.3202-4T>C on transcript NM_024675.4 (MANE Select); 4 bases into the intron before coding-DNA position 3202, T replaced by C.
Molecular consequence: intron variant.
Genome position (GRCh38, 1-based): chr16:23,608,016, A>G on the plus strand (T>C on the coding strand, the complement: PALB2 is on the minus strand). VCF-style: chr16-23608016-A-G. GRCh37 (hg19) VCF-style: chr16-23619337-A-G.
Identifiers: ClinVar variation 823181 (VCV000823181.17), dbSNP rs1597067067, ClinGen allele CA915949159.

ClinVar aggregate classification (germline): Conflicting classifications of pathogenicity. Review status: criteria provided, conflicting classifications (1 of 4 stars). 4 submissions from 4 submitters: Uncertain significance (1); Likely benign (3). Last evaluated 2026-02-11.

Conditions:
Hereditary cancer-predisposing syndrome. Also called: Hereditary Cancer Syndrome; Tumor predisposition; Neoplastic Syndromes, Hereditary; Hereditary neoplastic syndrome. Identifiers: Orphanet 140162, MedGen C0027672, MeSH D009386, MONDO:0015356.
Familial cancer of breast. Also called: Hereditary breast cancer; BREAST CANCER, FAMILIAL; hereditary breast carcinoma. Identifiers: Orphanet 227535, MedGen C0346153, MONDO:0016419, OMIM 114480. Disease mechanism: loss of function.

Submissions (4):

Ambry Genetics
Classification: Likely benign for Hereditary cancer-predisposing syndrome. Last evaluated: 2026-02-11. Review status: criteria provided, single submitter. Criteria: Ambry Variant Classification Scheme 2023. Collection method: clinical testing. Allele origin: germline.

Myriad Genetics, Inc.
Classification: Likely benign for Familial cancer of breast. Last evaluated: 2025-01-21. Review status: criteria provided, single submitter. Criteria: Myriad Autosomal Dominant, Autosomal Recessive and X-Linked Classification Criteria (2023). Collection method: clinical testing. Allele origin: unknown.
Comment: This variant is considered likely benign. This variant is intronic and is not expected to impact mRNA splicing.

Labcorp Genetics (formerly Invitae), Labcorp
Classification: Likely benign for Familial cancer of breast. Last evaluated: 2021-04-11. Review status: criteria provided, single submitter. Criteria: Invitae Variant Classification Sherloc (09022015). Collection method: clinical testing. Allele origin: germline.

Quest Diagnostics Nichols Institute San Juan Capistrano
Classification: Uncertain significance. Last evaluated: 2020-01-14. Review status: criteria provided, single submitter. Criteria: Quest Diagnostics criteria. Collection method: clinical testing. Allele origin: unknown.